The following is an entry in ClinVar:

NM_001211.6(BUB1B):c.2111C>T (p.Pro704Leu)

Gene: BUB1B (BUB1 mitotic checkpoint serine/threonine kinase B; plus strand). Cytogenetic location: 15q15.1.
Variant type: single nucleotide variant.
Coding change: c.2111C>T on transcript NM_001211.6 (MANE Select); coding-DNA position 2111, C replaced by T.
Protein change: p.Pro704Leu; replaces proline 704 with leucine.
Molecular consequence: missense variant.
Genome position (GRCh38, 1-based): chr15:40,208,738, C>T. VCF-style: chr15-40208738-C-T. GRCh37 (hg19) VCF-style: chr15-40500939-C-T.
Other names: short protein forms P704L.
Identifiers: ClinVar variation 961350 (VCV000961350.13), dbSNP rs1225413973, ClinGen allele CA391693797.

ClinVar aggregate classification (germline): Uncertain significance. Review status: criteria provided, multiple submitters, no conflicts (2 of 4 stars). 2 submissions from 2 submitters: Uncertain significance (2). Last evaluated 2025-08-02.

Conditions:
Inborn genetic diseases. Identifiers: MedGen C0950123, MeSH D030342.
Mosaic variegated aneuploidy syndrome 1 (MVA1). Also called: Warburton-Anyane-Yeboa syndrome. Identifiers: Orphanet 1052, MedGen C1850343, MONDO:0009759, OMIM 257300.

Allele frequency attached by ClinVar (database versions not stated): gnomAD exomes below 0.00001; TOPMed below 0.00001.
gnomAD v4.1: 3 of 1,613,414 alleles (0.00019%); highest among the groups gnomAD compares: South Asian, 0.0022%; no homozygotes.

Submissions (2):

Ambry Genetics
Classification: Uncertain significance for Inborn genetic diseases. Last evaluated: 2025-08-02. Review status: criteria provided, single submitter. Criteria: Ambry Variant Classification Scheme 2023. Collection method: clinical testing. Allele origin: germline.
Comment: The p.P704L variant (also known as c.2111C>T), located in coding exon 16 of the BUB1B gene, results from a C to T substitution at nucleotide position 2111. The proline at codon 704 is replaced by leucine, an amino acid with similar properties. This amino acid position is conserved. In addition, this alteration is predicted to be tolerated by in silico analysis. Since supporting evidence is limited at this time, the clinical significance of this alteration remains unclear.

Labcorp Genetics (formerly Invitae), Labcorp
Classification: Uncertain significance for Mosaic variegated aneuploidy syndrome 1. Last evaluated: 2019-09-17. Review status: criteria provided, single submitter. Criteria: Invitae Variant Classification Sherloc (09022015). Collection method: clinical testing. Allele origin: germline.
Comment: This sequence change replaces proline with leucine at codon 704 of the BUB1B protein (p.Pro704Leu). The proline residue is moderately conserved and there is a moderate physicochemical difference between proline and leucine. In summary, the available evidence is currently insufficient to determine the role of this variant in disease. Therefore, it has been classified as a Variant of Uncertain Significance. Algorithms developed to predict the effect of missense changes on protein structure and function output the following: SIFT: "Tolerated"; PolyPhen-2: "Benign"; Align-GVGD: "Class C0". The leucine amino acid residue is found in multiple mammalian species, suggesting that this missense change does not adversely affect protein function. These predictions have not been confirmed by published functional studies and their clinical significance is uncertain. This variant has not been reported in the literature in individuals with BUB1B-related conditions. This variant is not present in population databases (ExAC no frequency).